The following is an entry in ClinVar:

ClinVar aggregate classification (germline): Uncertain significance (1 of 4 stars; one submission).

Conditions:
Hereditary cancer-predisposing syndrome. Also called: Neoplastic Syndromes, Hereditary; Tumor predisposition; Hereditary Cancer Syndrome; Hereditary neoplastic syndrome. Identifiers: Orphanet 140162, MedGen C0027672, MeSH D009386, MONDO:0015356.

Submission:

Ambry Genetics
Classification: Uncertain significance for Hereditary cancer-predisposing syndrome. Last evaluated: 2022-01-26. Review status: criteria provided, single submitter. Criteria: Ambry Variant Classification Scheme 2023. Collection method: clinical testing. Allele origin: germline.
Comment: The p.P295L variant (also known as c.884C>T), located in coding exon 1 of the MET gene, results from a C to T substitution at nucleotide position 884. The proline at codon 295 is replaced by leucine, an amino acid with similar properties. This amino acid position is conserved. In addition, the in silico prediction for this alteration is inconclusive. Since supporting evidence is limited at this time, the clinical significance of this alteration remains unclear.

NM_000245.4(MET):c.884C>T (p.Pro295Leu)

Gene: MET (MET proto-oncogene, receptor tyrosine kinase; plus strand). Cytogenetic location: 7q31.2.
Variant type: single nucleotide variant.
Coding change: c.884C>T on transcript NM_000245.4 (MANE Select); coding-DNA position 884, C replaced by T.
Protein change: p.Pro295Leu; replaces proline 295 with leucine.
Molecular consequence: missense variant. On other transcripts: intron variant (1).
Genome position (GRCh38, 1-based): chr7:116,699,968, C>T. VCF-style: chr7-116699968-C-T. GRCh37 (hg19) VCF-style: chr7-116340022-C-T.
Other names: c.884C>T, p.Pro295Leu (NM_001127500.3, NM_001324401.3); c.-91+27391C>T (NM_001324402.2); short protein forms P295L.
Identifiers: ClinVar variation 1764872 (VCV001764872.2), dbSNP rs2116600208, ClinGen allele CA368970070.